The following is an entry in ClinVar:

NM_003363.4(USP4):c.1074C>A (p.Leu358=)

Gene: USP4 (ubiquitin specific peptidase 4; minus strand). Cytogenetic location: 3p21.31.
Variant type: single nucleotide variant.
Coding change: c.1074C>A on transcript NM_003363.4 (MANE Select); coding-DNA position 1074, C replaced by A.
Protein change: p.Leu358=; no amino-acid change (leucine 358 retained).
Molecular consequence: synonymous variant.
Genome position (GRCh38, 1-based): chr3:49,305,769, G>T on the plus strand (C>A on the coding strand, the complement: USP4 is on the minus strand). VCF-style: chr3-49305769-G-T. GRCh37 (hg19) VCF-style: chr3-49343202-G-T.
Other names: c.933C>A, p.Leu311= (NM_199443.3).
Identifiers: ClinVar variation 2653826 (VCV002653826.24), dbSNP rs371144680, ClinGen allele CA2397051.

ClinVar aggregate classification (germline): Likely benign (1 of 4 stars; one submission).

Allele frequency attached by ClinVar (database versions not stated): gnomAD 0.00001; gnomAD exomes 0.00002; TOPMed 0.00002; ExAC 0.00004; ESP Exome Variant Server 0.00008.
gnomAD v4.1: 42 of 1,613,464 alleles (0.0026%); highest among the groups gnomAD compares: Non-Finnish European, 0.002%; no homozygotes.

Submission:

CeGaT Center for Human Genetics Tuebingen
Classification: Likely benign. Last evaluated: 2022-05-01. Review status: criteria provided, single submitter. Criteria: CeGaT Center For Human Genetics Tuebingen Variant Classification Criteria Version 2. Collection method: clinical testing. Allele origin: germline. Affected: yes. Observed: 1 variant allele.
Comment: USP4: BP4, BP7